The following is an entry in ClinVar:

ClinVar aggregate classification (germline): Uncertain significance. Review status: criteria provided, multiple submitters, no conflicts (2 of 4 stars). 2 submissions from 2 submitters: Uncertain significance (2). Last evaluated 2025-11-20.

Allele frequency attached by ClinVar (database versions not stated): TOPMed below 0.00001; gnomAD exomes 0.00001.
gnomAD v4.1: 9 of 1,514,238 alleles (0.00059%); highest among the groups gnomAD compares: Admixed American, 0.0084%; no homozygotes.

Submissions (2):

Ambry Genetics
Classification: Uncertain significance. Last evaluated: 2025-11-20. Review status: criteria provided, single submitter. Criteria: Ambry Variant Classification Scheme 2023. Collection method: clinical testing. Allele origin: germline.

Labcorp Genetics (formerly Invitae), Labcorp
Classification: Uncertain significance. Last evaluated: 2024-01-22. Review status: criteria provided, single submitter. Criteria: Invitae Variant Classification Sherloc (09022015). Collection method: clinical testing. Allele origin: germline.
Comment: This sequence change replaces threonine, which is neutral and polar, with methionine, which is neutral and non-polar, at codon 23 of the SLC13A3 protein (p.Thr23Met). The frequency data for this variant in the population databases is considered unreliable, as metrics indicate poor data quality at this position in the gnomAD database. This variant has not been reported in the literature in individuals affected with SLC13A3-related conditions. ClinVar contains an entry for this variant (Variation ID: 1908026). Advanced modeling of protein sequence and biophysical properties (such as structural, functional, and spatial information, amino acid conservation, physicochemical variation, residue mobility, and thermodynamic stability) performed at Invitae indicates that this missense variant is not expected to disrupt SLC13A3 protein function with a negative predictive value of 80%. In summary, the available evidence is currently insufficient to determine the role of this variant in disease. Therefore, it has been classified as a Variant of Uncertain Significance.

NM_022829.6(SLC13A3):c.68C>T (p.Thr23Met)

Gene: SLC13A3 (solute carrier family 13 member 3; minus strand). Cytogenetic location: 20q13.12.
Variant type: single nucleotide variant.
Coding change: c.68C>T on transcript NM_022829.6 (MANE Select); coding-DNA position 68, C replaced by T.
Protein change: p.Thr23Met; replaces threonine 23 with methionine.
Molecular consequence: missense variant. On other transcripts: 5 prime UTR variant (1), intron variant (2).
Genome position (GRCh38, 1-based): chr20:46,651,354, G>A on the plus strand (C>T on the coding strand, the complement: SLC13A3 is on the minus strand). VCF-style: chr20-46651354-G-A. GRCh37 (hg19) VCF-style: chr20-45279993-G-A.
Other names: c.68C>T (NM_022829.5); c.68C>T, p.Thr23Met (NM_001193339.2); c.-54C>T (NM_001193342.2); c.-31+18689C>T (NM_001193340.2, NM_001011554.3); short protein forms T23M.
Identifiers: ClinVar variation 1908026 (VCV001908026.6), dbSNP rs1257552286, ClinGen allele CA409264026.
Genomic context (GRCh38, chr20:46,651,354, plus strand): 5'-GGCGGAGGAGGCGTTACCTTGGGCGGGAGGGCGAAGACCACCGGCAGCAGCGCGAGCGGC[G>A]TGAACAGCAGCACCAGCAGCCGCCGCGCGCTCCACACCTTCTTGGCCGCTGCTGCCAGCG-3'
Protein context (NP_073740.2, residues 13-33): SARRLLVLLF[Thr23Met]PLALLPVVFA